The following is an entry in ClinVar:

NM_001033561.2(PHF12):c.558CAT[1] (p.Ile188del)

Gene: PHF12 (PHD finger protein 12; minus strand). Cytogenetic location: 17q11.2.
Variant type: Microsatellite.
Coding change: c.558CAT[1] on transcript NM_001033561.2 (MANE Select); one copy of the 3-base unit CAT starting at c.558; the reference has two copies in a row; one copy, 3 bases deleted.
Protein change: p.Ile188del; deletes isoleucine 188.
Molecular consequence: inframe deletion.
Genome position (GRCh38, 1-based): chr17:28,924,061-28,924,063, ATG deleted on the plus strand (CAT on the coding strand, the reverse complement: PHF12 is on the minus strand); deleting any 3 consecutive bases within chr17:28,924,061-28,924,066 gives the same sequence; the position shown is the placement nearest the transcript's 3' end. VCF-style (leftmost placement, unchanged base first): chr17-28924060-AATG-A. GRCh37 (hg19) VCF-style: chr17-27251078-AATG-A.
Other names: c.558CAT[1], p.Ile188del (NM_001290131.2, NM_020889.3); short protein forms I188del.
Identifiers: ClinVar variation 3356980 (VCV003356980.2).
Genomic context (GRCh38, chr17:28,924,060, plus strand): 5'-CCGCCTCAGCTGGGGCTGCACATAGTCTGGCTCCGCTGCTACTGGTTCCTCATCCACGTC[AATG>A]ATGTCTTCGTCGACATCATTCTGCTCAGAGGTGGGAGTCTCTGTGCTGGCGCTGGATGTG-3'

ClinVar aggregate classification (germline): Uncertain significance (1 of 4 stars; one submission).

Conditions:
PHF12-related disorder. Also called: PHF12-related condition.

Submission:

PreventionGenetics, part of Exact Sciences
Classification: Uncertain significance for PHF12-related condition. Last evaluated: 2025-08-06. Review status: criteria provided, single submitter. Criteria: ACMG Guidelines, 2015. Collection method: clinical testing. Allele origin: germline.
Comment: The PHF12 c.561_563delCAT variant is predicted to result in an in-frame deletion (p.Ile188del). To our knowledge, this variant has not been reported in the literature or in a large population database, indicating this variant is rare. At this time, the clinical significance of this variant is uncertain due to the absence of conclusive functional and genetic evidence.